The following is an entry in ClinVar:

ClinVar aggregate classification (germline): Uncertain significance (1 of 4 stars; one submission).

Conditions:
Chédiak-Higashi syndrome (CHS). Also called: Chediak-Higashi Syndrome. Identifiers: Orphanet 167, MedGen C0007965, MONDO:0008963, OMIM 214500.

Submission:

Labcorp Genetics (formerly Invitae), Labcorp
Classification: Uncertain significance for Chédiak-Higashi syndrome. Last evaluated: 2021-04-24. Review status: criteria provided, single submitter. Criteria: Invitae Variant Classification Sherloc (09022015). Collection method: clinical testing. Allele origin: germline.
Comment: In summary, the available evidence is currently insufficient to determine the role of this variant in disease. Therefore, it has been classified as a Variant of Uncertain Significance. Algorithms developed to predict the effect of missense changes on protein structure and function (SIFT, PolyPhen-2, Align-GVGD) all suggest that this variant is likely to be tolerated, but these predictions have not been confirmed by published functional studies and their clinical significance is uncertain. This variant has not been reported in the literature in individuals with LYST-related conditions. This variant is not present in population databases (ExAC no frequency). This sequence change replaces lysine with glutamic acid at codon 589 of the LYST protein (p.Lys589Glu). The lysine residue is moderately conserved and there is a small physicochemical difference between lysine and glutamic acid.

NM_000081.4(LYST):c.1765A>G (p.Lys589Glu)

Gene: LYST (lysosomal trafficking regulator; minus strand). Cytogenetic location: 1q42.3.
Variant type: single nucleotide variant.
Coding change: c.1765A>G on transcript NM_000081.4 (MANE Select); coding-DNA position 1765, A replaced by G.
Protein change: p.Lys589Glu; replaces lysine 589 with glutamic acid.
Molecular consequence: missense variant.
Genome position (GRCh38, 1-based): chr1:235,809,053, T>C on the plus strand (A>G on the coding strand, the complement: LYST is on the minus strand). VCF-style: chr1-235809053-T-C. GRCh37 (hg19) VCF-style: chr1-235972353-T-C.
Other names: c.1765A>G, p.Lys589Glu (NM_001301365.1); short protein forms K589E.
Identifiers: ClinVar variation 1431084 (VCV001431084.7), dbSNP rs2527110442, ClinGen allele CA344961691.